The following is an entry in ClinVar:

ClinVar aggregate classification (germline): Likely pathogenic (1 of 4 stars; one submission).

Conditions:
3M syndrome 2. Also called: 3-M Syndrome, OBSL1-Related; THREE M SYNDROME 2. Identifiers: Orphanet 2616, MedGen C2752041, MONDO:0013039, OMIM 612921.

Submission:

Juno Genomics, Hangzhou Juno Genomics, Inc
Classification: Likely pathogenic for 3M syndrome 2. Review status: criteria provided, single submitter. Criteria: ACMG Guidelines, 2015. Collection method: clinical testing. Allele origin: germline.
Comment: Absent from controls (or at extremely low frequency if recessive) in Genome Aggregation Database.;Null variant in a gene where loss of function (LOF) is a known mechanism of disease.

NM_015311.3(OBSL1):c.5485_5494del (p.Glu1829fs)

Gene: OBSL1 (obscurin like cytoskeletal adaptor 1; minus strand). Cytogenetic location: 2q35.
Variant type: Deletion.
Coding change: c.5485_5494del on transcript NM_015311.3 (MANE Select); coding-DNA positions 5485 to 5494, 10 bases deleted (GAGGTGACTG; older notation c.5485_5494delGAGGTGACTG).
Protein change: p.Glu1829fs; shifts the reading frame from glutamic acid 1829.
Molecular consequence: frameshift variant.
Genome position (GRCh38, 1-based): chr2:219,551,718-219,551,727, CAGTCACCTC deleted on the plus strand (GAGGTGACTG on the coding strand, the reverse complement: OBSL1 is on the minus strand); deleting any 10 consecutive bases within chr2:219,551,718-219,551,730 gives the same sequence; the c. name uses the placement nearest the transcript's 3' end. VCF-style (leftmost placement, unchanged base first): chr2-219551717-ACAGTCACCTC-A. GRCh37 (hg19) VCF-style: chr2-220416439-ACAGTCACCTC-A.
Other names: short protein forms E1829fs.
Identifiers: ClinVar variation 5007668 (VCV005007668.2).
Genomic context (GRCh38, chr2:219,551,717, plus strand): 5'-TCTCCCGGGCACAGCTCGGCCCCCTCCCGCAGCCAGCACACGTGGCCCCCCGAGCGGGAC[ACAGTCACCTC>A]CAGCACCGCCCGGCGGCCCACCAGAACGGTCTTCTCGCGAGGGGGGTGGCGGCACATCTG-3'